The following is an entry in ClinVar:

NM_015693.4(INTU):c.1684T>C (p.Trp562Arg)

Gene: INTU (inturned planar cell polarity protein; plus strand). Cytogenetic location: 4q28.1.
Variant type: single nucleotide variant.
Coding change: c.1684T>C on transcript NM_015693.4 (MANE Select); coding-DNA position 1684, T replaced by C.
Protein change: p.Trp562Arg; replaces tryptophan 562 with arginine.
Molecular consequence: missense variant.
Genome position (GRCh38, 1-based): chr4:127,705,708, T>C. VCF-style: chr4-127705708-T-C. GRCh37 (hg19) VCF-style: chr4-128626863-T-C.
Other names: short protein forms W562R.
Identifiers: ClinVar variation 2064974 (VCV002064974.4), dbSNP rs1234571169, ClinGen allele CA358135618.

ClinVar aggregate classification (germline): Uncertain significance (1 of 4 stars; one submission).

Allele frequency attached by ClinVar (database versions not stated): gnomAD exomes below 0.00001; gnomAD 0.00001; TOPMed 0.00001.
gnomAD v4.1: 2 of 1,613,968 alleles (0.00012%); highest among the groups gnomAD compares: Admixed American, 0.0017%; no homozygotes.

Submission:

Labcorp Genetics (formerly Invitae), Labcorp
Classification: Uncertain significance. Last evaluated: 2023-02-06. Review status: criteria provided, single submitter. Criteria: Invitae Variant Classification Sherloc (09022015). Collection method: clinical testing. Allele origin: germline.
Comment: This variant is not present in population databases (gnomAD no frequency). This variant has not been reported in the literature in individuals affected with INTU-related conditions. Advanced modeling of protein sequence and biophysical properties (such as structural, functional, and spatial information, amino acid conservation, physicochemical variation, residue mobility, and thermodynamic stability) performed at Invitae indicates that this missense variant is expected to disrupt INTU protein function. In summary, the available evidence is currently insufficient to determine the role of this variant in disease. Therefore, it has been classified as a Variant of Uncertain Significance. This sequence change replaces tryptophan, which is neutral and slightly polar, with arginine, which is basic and polar, at codon 562 of the INTU protein (p.Trp562Arg).